The following is an entry in ClinVar:

NM_000132.4(F8):c.205_206del (p.Leu69fs)

Gene: F8 (coagulation factor VIII; minus strand). Cytogenetic location: Xq28.
Variant type: Microsatellite.
Coding change: c.205_206del on transcript NM_000132.4 (MANE Select); coding-DNA positions 205 to 206, 2 bases deleted (CT; older notation c.205_206delCT).
Protein change: p.Leu69fs; shifts the reading frame from leucine 69.
Molecular consequence: frameshift variant.
Genome position (GRCh38, 1-based): chrX:154,999,538-154,999,539, AG deleted on the plus strand (CT on the coding strand, the reverse complement: F8 is on the minus strand); deleting any 2 consecutive bases within chrX:154,999,538-154,999,541 gives the same sequence; the c. name uses the placement nearest the transcript's 3' end. VCF-style (leftmost placement, unchanged base first): chrX-154999537-CAG-C. GRCh37 (hg19) VCF-style: chrX-154227812-CAG-C.
Other names: short protein forms L69fs.
Identifiers: ClinVar variation 973805 (VCV000973805.3), dbSNP rs1317834655, ClinGen allele CA873358609.

ClinVar aggregate classification (germline): Pathogenic. Review status: criteria provided, single submitter (1 of 4 stars). 2 submissions from 2 submitters: Pathogenic (1). 1 of the submissions does not count toward it. Last evaluated 2026-02-03.

Conditions:
Hereditary factor VIII deficiency disease (HEMA). Also called: HEMOPHILIA, CLASSIC; AUTOSOMAL HEMOPHILIA A; Hemophilia A, congenital; HEM A; Factor 8 deficiency, congenital; Hemophilia A. Identifiers: Orphanet 98878, MedGen C0019069, MONDO:0010602, OMIM 306700.

Submissions (2):

GeneDx
Classification: Pathogenic. Last evaluated: 2026-02-03. Review status: criteria provided, single submitter. Criteria: GeneDx Variant Classification Process June 2021. Collection method: clinical testing. Allele origin: germline.
Comment: Frameshift variant predicted to result in protein truncation or nonsense mediated decay in a gene for which loss of function is a known mechanism of disease; Not observed at significant frequency in large population cohorts (gnomAD); This variant is associated with the following publications: (PMID: 18691168, 18217193, 17445092, 21070499, 29296726, 10404764, 20800587, 16086318, 16769589, 16834740, 29381227, 33245802, 35014236, 32897612)

Angelo Bianchi Bonomi Hemophilia and Thrombosis Center, Fondazione IRCCS Ca Granda Ospedale Maggiore Policlinico
Classification: Pathogenic for Hereditary factor VIII deficiency disease. Last evaluated: 2019-06-01. Review status: no assertion criteria provided. Collection method: clinical testing. Allele origin: germline. Affected: yes. Observed: 1 variant allele. Not counted in ClinVar's aggregate classification.

Literature cited by the submitters: PubMed 16834740 (cited by Angelo Bianchi Bonomi Hemophilia and Thrombosis Center, Fondazione IRCCS Ca Granda Ospedale Maggiore Policlinico); PubMed 16086318 (cited by Angelo Bianchi Bonomi Hemophilia and Thrombosis Center, Fondazione IRCCS Ca Granda Ospedale Maggiore Policlinico); PubMed 16769589 (cited by Angelo Bianchi Bonomi Hemophilia and Thrombosis Center, Fondazione IRCCS Ca Granda Ospedale Maggiore Policlinico); PubMed 18691168 (cited by Angelo Bianchi Bonomi Hemophilia and Thrombosis Center, Fondazione IRCCS Ca Granda Ospedale Maggiore Policlinico); PubMed 20800587 (cited by Angelo Bianchi Bonomi Hemophilia and Thrombosis Center, Fondazione IRCCS Ca Granda Ospedale Maggiore Policlinico); PubMed 17445092 (cited by Angelo Bianchi Bonomi Hemophilia and Thrombosis Center, Fondazione IRCCS Ca Granda Ospedale Maggiore Policlinico); PubMed 29296726 (cited by Angelo Bianchi Bonomi Hemophilia and Thrombosis Center, Fondazione IRCCS Ca Granda Ospedale Maggiore Policlinico); PubMed 18217193 (cited by Angelo Bianchi Bonomi Hemophilia and Thrombosis Center, Fondazione IRCCS Ca Granda Ospedale Maggiore Policlinico); PubMed 21070499 (cited by Angelo Bianchi Bonomi Hemophilia and Thrombosis Center, Fondazione IRCCS Ca Granda Ospedale Maggiore Policlinico).